The following is an entry in ClinVar:

ClinVar aggregate classification (germline): Likely benign (1 of 4 stars; one submission).

gnomAD v4.1: 2,483 of 1,594,944 alleles (0.16%); highest among the groups gnomAD compares: Non-Finnish European, 0.16%; 12 homozygotes.

Submission:

CeGaT Center for Human Genetics Tuebingen
Classification: Likely benign. Last evaluated: 2025-03-01. Review status: criteria provided, single submitter. Criteria: CeGaT Center For Human Genetics Tuebingen Variant Classification Criteria Version 2. Collection method: clinical testing. Allele origin: germline. Affected: yes. Observed: 1 variant allele.
Comment: PCM1: BP4

NM_006197.4(PCM1):c.3222-4G>C

Gene: PCM1 (pericentriolar material 1; plus strand). Cytogenetic location: 8p22.
Variant type: single nucleotide variant.
Coding change: c.3222-4G>C on transcript NM_006197.4 (MANE Select); 4 bases into the intron before coding-DNA position 3222, G replaced by C.
Molecular consequence: intron variant.
Genome position (GRCh38, 1-based): chr8:17,966,976, G>C. VCF-style: chr8-17966976-G-C. GRCh37 (hg19) VCF-style: chr8-17824485-G-C.
Other names: c.3339-4G>C (NM_001352633.2, NM_001352650.2, NM_001352632.2 and 4 more transcripts); c.3225-4G>C (NM_001352635.2, NM_001352648.2, NM_001352640.2 and 2 more transcripts); c.3222-4G>C (NM_001352653.2, NM_001352645.2, NM_001352642.2 and 13 more transcripts); c.3342-4G>C (NM_001352636.2).
Identifiers: ClinVar variation 3777804 (VCV003777804.7).